The following is an entry in ClinVar:

ClinVar aggregate classification (germline): Conflicting classifications of pathogenicity. Review status: criteria provided, conflicting classifications (1 of 4 stars). 8 submissions from 8 submitters: Uncertain significance (6); Likely benign (2). Last evaluated 2025-09-04.

Conditions:
NOTCH3-related disorder. Also called: NOTCH3-related condition; NOTCH3-related disorders.
Cerebral arteriopathy, autosomal dominant, with subcortical infarcts and leukoencephalopathy, type 1 (CADASIL1). Also called: DEMENTIA, HEREDITARY MULTIINFARCT TYPE; CASIL; Cerebral arteriopathy with subcortical infarcts and leukoencephalopathy 1; CADASIL 1. Identifiers: Orphanet 136, MedGen C4551768, MONDO:0000914, OMIM 125310.

Allele frequency attached by ClinVar (database versions not stated): ExAC 0.00002; gnomAD exomes 0.00003 and 0.00015; TOPMed 0.00004; gnomAD 0.00006.
gnomAD v4.1: 224 of 1,613,854 alleles (0.014%); highest among the groups gnomAD compares: Non-Finnish European, 0.018%; no homozygotes.

Submissions (8):

Women's Health and Genetics/Laboratory Corporation of America, LabCorp
Classification: Uncertain significance. Last evaluated: 2025-09-04. Review status: criteria provided, single submitter. Criteria: LabCorp Variant Classification Summary - May 2015. Collection method: clinical testing. Allele origin: germline.
Comment: Variant summary: NOTCH3 c.754G>A (p.Val252Met) results in a conservative amino acid change located in the EGF like repeat domain (IPR000742) of the encoded protein sequence. Algorithms developed to predict the effect of missense changes on protein structure and function are either unavailable or do not agree on the potential impact of this missense change. The variant allele was found at a frequency of 2.8e-05 in 250442 control chromosomes in the gnomAD database. The available data on variant occurrences in the general population are insufficient to allow any conclusion about variant significance. c.754G>A has been observed in at-least one individual affected with Cerebral autosomal dominant arteriopathy with subcortical infarcts and leucoencephalopathy (CADASIL) (Abramycheva_2015). These report(s) do not provide unequivocal conclusions about association of the variant with NOTCH3-Related Disorders. To our knowledge, no experimental evidence demonstrating an impact on protein function has been reported. The following publication has been ascertained in the context of this evaluation (PMID: 25623805). ClinVar contains an entry for this variant (Variation ID: 804653). Based on the evidence outlined above, the variant was classified as uncertain significance.

Athena Diagnostics
Classification: Uncertain significance. Last evaluated: 2024-07-01. Review status: criteria provided, single submitter. Criteria: Athena Diagnostics Criteria. Collection method: clinical testing. Allele origin: unknown.
Comment: Available data are insufficient to determine the clinical significance of the variant at this time. The frequency of this variant in the general population is higher than would generally be expected for pathogenic variants in this gene. Polyphen and MutationTaster predict this amino acid change may be damaging to the protein. Greater than 90% of NOTCH3 pathogenic variants associated with CADASIL involve the gain or loss of a cysteine residue within the epidermal growth factor (EGF)-like repeat domain (PMID: 32457593, 20301673).

ARUP Laboratories, Molecular Genetics and Genomics, ARUP Laboratories
Classification: Uncertain significance. Last evaluated: 2024-06-18. Review status: criteria provided, single submitter. Criteria: ARUP Molecular Germline Variant Investigation Process 2024. Collection method: clinical testing. Allele origin: germline.
Comment: The NOTCH3 c.754G>A; p.Val252Met variant (rs115836330; ClinVar ID: 804653) is reported in the literature in an individual with clinical features of CADASIL, although it was not demonstrated to cause disease (Abramycheva 2015). This variant is found in the non-Finnish European population with an allele frequency of 0.008% (10/128,326 alleles) in the Genome Aggregation Database (v2.1.1). Computational analyses predict that this variant is deleterious (REVEL: 0.897). Most pathogenic NOTCH3 variants occur in exons 2-24 and either create or destroy a cysteine residue within an EGF-like domain (Rutten 2014). However, there are several amino acid substitutions not involving cysteine that may be disease-associated (Muino 2017). Although the p.Val252Met variant does not involve a cysteine residue, due to its low population frequency, its clinical significance is uncertain. References: Abramycheva N et al. New mutations in the Notch3 gene in patients with cerebral autosomal dominant arteriopathy with subcortical infarcts and leucoencephalopathy (CADASIL). J Neurol Sci. 2015 Feb 15;349(1-2):196-201. PMID: 25623805. Muino E et al. Systematic Review of Cysteine-Sparing NOTCH3 Missense Mutations in Patients with Clinical Suspicion of CADASIL. Int J Mol Sci. 2017 Sep 13;18(9). pii: E1964. PMID: 28902129. Rutten JW et al. Interpretation of NOTCH3 mutations in the diagnosis of CADASIL. Expert Rev Mol Diagn. 2014 Jun;14(5):593-603. PMID: 24844136.

Labcorp Genetics (formerly Invitae), Labcorp
Classification: Uncertain significance. Last evaluated: 2024-05-08. Review status: criteria provided, single submitter. Criteria: Invitae Variant Classification Sherloc (09022015). Collection method: clinical testing. Allele origin: germline.
Comment: This sequence change replaces valine, which is neutral and non-polar, with methionine, which is neutral and non-polar, at codon 252 of the NOTCH3 protein (p.Val252Met). This variant is present in population databases (rs115836330, gnomAD 0.007%). This missense change has been observed in individual(s) with clinical features of cerebral autosomal dominant arteriopathy with subcortical infarcts and leukoencephalopathy (PMID: 25623805). ClinVar contains an entry for this variant (Variation ID: 804653). Advanced modeling of protein sequence and biophysical properties (such as structural, functional, and spatial information, amino acid conservation, physicochemical variation, residue mobility, and thermodynamic stability) performed at Invitae indicates that this missense variant is not expected to disrupt NOTCH3 protein function with a negative predictive value of 95%. In summary, the available evidence is currently insufficient to determine the role of this variant in disease. Therefore, it has been classified as a Variant of Uncertain Significance.

Blueprint Genetics
Classification: Uncertain significance. Last evaluated: 2024-04-04. Review status: criteria provided, single submitter. Criteria: ACMG Guidelines, 2015. Collection method: clinical testing. Allele origin: germline.

PreventionGenetics, part of Exact Sciences
Classification: Uncertain significance for NOTCH3-related condition. Last evaluated: 2023-06-15. Review status: criteria provided, single submitter. Criteria: ACMG Guidelines, 2015. Collection method: clinical testing. Allele origin: germline.
Comment: The NOTCH3 c.754G>A variant is predicted to result in the amino acid substitution p.Val252Met. This variant was reported in two individuals with suspected CADASIL (Abramycheva et al. 2015. PubMed ID: 25623805; Delpirou Nouh et al. 2023. Neurology. 100 (17 Supplement 2) 2673: DOI: 10.1212/WNL.0000000000202715). This variant is reported in 0.0078% of alleles in individuals of European (Non-Finnish) descent in gnomAD. At this time, the clinical significance of this variant is uncertain due to the absence of conclusive functional and genetic evidence.

GeneDx
Classification: Likely benign. Last evaluated: 2021-06-01. Review status: criteria provided, single submitter. Criteria: GeneDx Variant Classification Process June 2021. Collection method: clinical testing. Allele origin: germline. Affected: yes.
Comment: In silico analysis supports that this missense variant does not alter protein structure/function; This variant is associated with the following publications: (PMID: 25623805, 27535533, 31484286)

Illumina Laboratory Services, Illumina
Classification: Likely benign for Cerebral arteriopathy, autosomal dominant, with subcortical infarcts and leukoencephalopathy, type 1. Last evaluated: 2018-01-13. Review status: criteria provided, single submitter. Criteria: ICSL Variant Classification Criteria 13 December 2019. Collection method: clinical testing. Allele origin: germline.
Comment: This variant was observed in the ICSL laboratory as part of a predisposition screen in an ostensibly healthy population. It had not been previously curated by ICSL or reported in the Human Gene Mutation Database (HGMD: prior to June 1st, 2018), and was therefore a candidate for classification through an automated scoring system. Utilizing variant allele frequency, disease prevalence and penetrance estimates, and inheritance mode, an automated score was calculated to assess if this variant is too frequent to cause the disease. Based on the score and internal cut-off values, a variant classified as likely benign is not then subjected to further curation. The score for this variant resulted in a classification of likely benign for this disease.

Literature cited by the submitters: PubMed 25623805 (cited by 3 submitters).

NM_000435.3(NOTCH3):c.754G>A (p.Val252Met)

Gene: NOTCH3 (notch receptor 3; minus strand). Cytogenetic location: 19p13.12.
Variant type: single nucleotide variant.
Coding change: c.754G>A on transcript NM_000435.3 (MANE Select); coding-DNA position 754, G replaced by A.
Protein change: p.Val252Met; replaces valine 252 with methionine.
Molecular consequence: missense variant.
Genome position (GRCh38, 1-based): chr19:15,191,793, C>T on the plus strand (G>A on the coding strand, the complement: NOTCH3 is on the minus strand). VCF-style: chr19-15191793-C-T. GRCh37 (hg19) VCF-style: chr19-15302604-C-T.
Other names: short protein forms V252M.
Identifiers: ClinVar variation 804653 (VCV000804653.17), dbSNP rs115836330, ClinGen allele CA9263798.